The following is an entry in ClinVar:

Conditions:
Breast-ovarian cancer, familial, susceptibility to, 1 (BROVCA1). Also called: BRCA1 Hereditary Breast and Ovarian Cancer; OVARIAN CANCER, SUSCEPTIBILITY TO. Identifiers: Orphanet 145, MedGen C2676676, MONDO:0011450, OMIM 604370. Disease mechanism: loss of function.

Submission:

Brotman Baty Institute, University of Washington
No classification provided (evidence only). Condition: Breast-ovarian cancer, familial 1. Review status: no classification provided. Collection method: in vitro. Allele origin: not applicable. Functional consequence: functionally_normal.
ClinVar note: "not provided" was previously submitted as the classification for the variant. However, the classification appeared to be based only on an observation of functional data so it was converted to no classification on 2025-07-30.

NM_007294.4(BRCA1):c.5407-9G>T

Gene: BRCA1 (BRCA1 DNA repair associated; minus strand). Cytogenetic location: 17q21.31.
Variant type: single nucleotide variant.
Coding change: c.5407-9G>T on transcript NM_007294.4 (MANE Select); 9 bases into the intron before coding-DNA position 5407, G replaced by T.
Molecular consequence: intron variant.
Genome position (GRCh38, 1-based): chr17:43,047,712, C>A on the plus strand (G>T on the coding strand, the complement: BRCA1 is on the minus strand). VCF-style: chr17-43047712-C-A. GRCh37 (hg19) VCF-style: chr17-41199729-C-A.
Other names: c.5266-9G>T (NM_001407727.1, NM_001407724.1, NM_001407697.1 and 12 more transcripts); c.5194-9G>T (NM_001407896.1, NM_001407900.1, NM_001407571.1 and 12 more transcripts); c.5071-9G>T (NM_001407952.1, NM_001407950.1, NM_001407953.1 and 3 more transcripts); c.5260-9G>T (NM_001407841.1, NM_001407838.1, NM_001407848.1 and 12 more transcripts); c.5200-9G>T (NM_001407874.1, NM_001407875.1); c.2017-9G>T (NM_001408416.1, NM_001408414.1, NM_001408415.1 and 2 more transcripts); c.5074-9G>T (NM_001407948.1, NM_001407947.1, NM_001407949.1 and 1 more transcripts); c.1885-9G>T (NM_001408484.1, NM_001408485.1, NM_001408483.1 and 5 more transcripts); and 83 more.
Identifiers: ClinVar variation 868452 (VCV000868452.3), dbSNP rs551078372, ClinGen allele CA916080789.
Genomic context (GRCh38, chr17:43,047,712, plus strand): 5'-CATTGTCCTCTGTCCAGGCATCTGGCTGCACAACCACAATTGGGTGGACACCCTGGATCC[C>A]CAGGAAGGAAAGAGCATTCAAAGTGTCAAAGTAGGACTACTGGAACTGTCACTTCATCAT-3'